The following is an entry in ClinVar:

NM_001330078.2(NRXN1):c.832+2683A>G

Gene: NRXN1 (neurexin 1; minus strand). Cytogenetic location: 2p16.3.
Variant type: single nucleotide variant.
Coding change: c.832+2683A>G on transcript NM_001330078.2 (MANE Select); 2683 bases into the intron after coding-DNA position 832, A replaced by G.
Molecular consequence: intron variant. On other transcripts: 3 prime UTR variant (3).
Genome position (GRCh38, 1-based): chr2:50,919,186, T>C on the plus strand (A>G on the coding strand, the complement: NRXN1 is on the minus strand). VCF-style: chr2-50919186-T-C. GRCh37 (hg19) VCF-style: chr2-51146324-T-C.
Other names: c.*816A>G (NM_001330079.2, NM_001330081.2); c.*6A>G (NM_001330090.2); c.772+108316A>G (NM_001330096.2, NM_001330087.2, NM_001330083.2 and 1 more transcripts); c.802+3472A>G (NM_001330088.2); c.829+2683A>G (NM_001330093.2); c.820+3472A>G (NM_001330094.2); c.832+2683A>G (NM_001330095.2, NM_001330082.2, NM_001330077.2 and 3 more transcripts); c.931+2683A>G (NM_001135659.3).
Identifiers: ClinVar variation 3051322 (VCV003051322.2), dbSNP rs1206765024, ClinGen allele CA769837965.

ClinVar aggregate classification (germline): Likely benign (0 of 4 stars; one submission).

Conditions:
NRXN1-related disorder.

gnomAD v4.1: 6 of 151,692 alleles (0.004%); highest among the groups gnomAD compares: Non-Finnish European, 0.0089%; no homozygotes.

Submission:

PreventionGenetics, part of Exact Sciences
Classification: Likely benign for NRXN1-related condition. Last evaluated: 2020-01-10. Review status: no assertion criteria provided. Collection method: clinical testing. Allele origin: germline.
Comment: This variant is classified as likely benign based on ACMG/AMP sequence variant interpretation guidelines (Richards et al. 2015 PMID: 25741868, with internal and published modifications).